The following is an entry in ClinVar:

ClinVar aggregate classification (germline): Pathogenic (1 of 4 stars; one submission).

Submission:

Labcorp Genetics (formerly Invitae), Labcorp
Classification: Pathogenic. Last evaluated: 2019-10-27. Review status: criteria provided, single submitter. Criteria: Invitae Variant Classification Sherloc (09022015). Collection method: clinical testing. Allele origin: germline.
Comment: This sequence change creates a premature translational stop signal (p.Thr112Asnfs*10) in the LRPPRC gene. It is expected to result in an absent or disrupted protein product. This variant is not present in population databases (ExAC no frequency). This variant has not been reported in the literature in individuals with LRPPRC-related conditions. Loss-of-function variants in LRPPRC are known to be pathogenic (PMID: 26510951). For these reasons, this variant has been classified as Pathogenic.

Literature cited by the submitters: PubMed 26510951.

NM_133259.4(LRPPRC):c.334dup (p.Thr112fs)

Gene: LRPPRC (leucine rich pentatricopeptide repeat containing; minus strand). Cytogenetic location: 2p21.
Variant type: Duplication.
Coding change: c.334dup on transcript NM_133259.4 (MANE Select); coding-DNA position 334, one base duplicated (A; older notation c.334dupA).
Protein change: p.Thr112fs; shifts the reading frame from threonine 112.
Molecular consequence: frameshift variant.
Genome position (GRCh38, 1-based): chr2:43,982,250, T duplicated on the plus strand (A on the coding strand, the reverse complement: LRPPRC is on the minus strand). VCF-style (leftmost placement, unchanged base first): chr2-43982249-G-GT. GRCh37 (hg19) VCF-style: chr2-44209388-G-GT.
Other names: short protein forms T112fs.
Identifiers: ClinVar variation 956084 (VCV000956084.7), dbSNP rs1674342263, ClinGen allele CA1139656909.